The following is an entry in ClinVar:

NM_001289104.2(PRKCSH):c.628G>A (p.Glu210Lys)

Gene: PRKCSH (PRKCSH beta subunit of glucosidase II; plus strand). Cytogenetic location: 19p13.2.
Variant type: single nucleotide variant.
Coding change: c.628G>A on transcript NM_001289104.2 (MANE Select); coding-DNA position 628, G replaced by A.
Protein change: p.Glu210Lys; replaces glutamic acid 210 with lysine.
Molecular consequence: missense variant.
Genome position (GRCh38, 1-based): chr19:11,445,418, G>A. VCF-style: chr19-11445418-G-A. GRCh37 (hg19) VCF-style: chr19-11556233-G-A.
Other names: c.628G>A, p.Glu210Lys (NM_001001329.3, NM_001289102.2, NM_001289103.2 and 3 more transcripts); short protein forms E210K.
Identifiers: ClinVar variation 328176 (VCV000328176.19), dbSNP rs200168017, ClinGen allele CA9212908.

ClinVar aggregate classification (germline): Conflicting classifications of pathogenicity. Review status: criteria provided, conflicting classifications (1 of 4 stars). 6 submissions from 6 submitters: Uncertain significance (1); Benign (3); Likely benign (1). 1 of the submissions does not count toward it. Last evaluated 2026-01-27.

Conditions:
PRKCSH-related disorder. Also called: PRKCSH-related condition.
Polycystic liver disease 1 (PCLD1). Also called: Polycystic liver disease 1 with or without kidney cysts. Identifiers: Orphanet 2924, MedGen C0887850, MONDO:0008265, OMIM 174050.
Inborn genetic diseases. Identifiers: MedGen C0950123, MeSH D030342.

Allele frequency attached by ClinVar (database versions not stated): ESP Exome Variant Server 0.00008; 1000 Genomes Project 30x 0.00031; gnomAD 0.00039 and 0.00041; 1000 Genomes Project 0.00040; TOPMed 0.00040.
gnomAD v4.1: 716 of 1,614,078 alleles (0.044%); highest among the groups gnomAD compares: Middle Eastern, 0.92%; 2 homozygotes.

Submissions (6):

Labcorp Genetics (formerly Invitae), Labcorp
Classification: Benign. Last evaluated: 2026-01-27. Review status: criteria provided, single submitter. Criteria: Invitae Variant Classification Sherloc (09022015). Collection method: clinical testing. Allele origin: germline.

Blueprint Genetics
Classification: Likely benign. Last evaluated: 2024-11-28. Review status: criteria provided, single submitter. Criteria: ACMG Guidelines, 2015. Collection method: clinical testing. Allele origin: germline.

Ambry Genetics
Classification: Uncertain significance for Inborn genetic diseases. Last evaluated: 2021-06-11. Review status: criteria provided, single submitter. Criteria: Ambry Variant Classification Scheme 2023. Collection method: clinical testing. Allele origin: germline.

Illumina Laboratory Services, Illumina
Classification: Benign for Polycystic liver disease 1. Last evaluated: 2018-01-13. Review status: criteria provided, single submitter. Criteria: ICSL Variant Classification Criteria 13 December 2019. Collection method: clinical testing. Allele origin: germline.
Comment: This variant was observed in the ICSL laboratory as part of a predisposition screen in an ostensibly healthy population. It had not been previously curated by ICSL or reported in the Human Gene Mutation Database (HGMD: prior to June 1st, 2018), and was therefore a candidate for classification through an automated scoring system. Utilizing variant allele frequency, disease prevalence and penetrance estimates, and inheritance mode, an automated score was calculated to assess if this variant is too frequent to cause the disease. Based on the score and internal cut-off values, a variant classified as benign is not then subjected to further curation. The score for this variant resulted in a classification of benign for this disease.

Breakthrough Genomics
Classification: Benign. Review status: criteria provided, single submitter. Criteria: ACMG Guidelines, 2015. Collection method: not provided. Allele origin: germline. Inheritance: Autosomal dominant inheritance. Affected: yes.

PreventionGenetics, part of Exact Sciences
Classification: Likely benign for PRKCSH-related condition. Last evaluated: 2019-09-19. Review status: no assertion criteria provided. Collection method: clinical testing. Allele origin: germline. Not counted in ClinVar's aggregate classification.
Comment: This variant is classified as likely benign based on ACMG/AMP sequence variant interpretation guidelines (Richards et al. 2015 PMID: 25741868, with internal and published modifications).